The following is an entry in ClinVar:

NM_007194.4(CHEK2):c.783A>C (p.Ala261=)

Gene: CHEK2 (checkpoint kinase 2; minus strand). Cytogenetic location: 22q12.1.
Variant type: single nucleotide variant.
Coding change: c.783A>C on transcript NM_007194.4 (MANE Select); coding-DNA position 783, A replaced by C.
Protein change: p.Ala261=; no amino-acid change (alanine 261 retained).
Molecular consequence: synonymous variant.
Genome position (GRCh38, 1-based): chr22:28,711,918, T>G on the plus strand (A>C on the coding strand, the complement: CHEK2 is on the minus strand). VCF-style: chr22-28711918-T-G. GRCh37 (hg19) VCF-style: chr22-29107906-T-G.
Other names: c.912A>C, p.Ala304= (NM_001005735.3); c.120A>C, p.Ala40= (NM_001257387.3); c.582A>C, p.Ala194= (NM_001349956.3); c.783A>C, p.Ala261= (NM_145862.3).
Identifiers: ClinVar variation 3772838 (VCV003772838.1).

ClinVar aggregate classification (germline): Benign (1 of 4 stars; one submission).

Conditions:
Familial cancer of breast. Also called: Hereditary breast cancer; BREAST CANCER, FAMILIAL; hereditary breast carcinoma. Identifiers: Orphanet 227535, MedGen C0346153, MONDO:0016419, OMIM 114480. Disease mechanism: loss of function.

Submission:

Myriad Genetics, Inc.
Classification: Benign for Familial cancer of breast. Last evaluated: 2024-10-03. Review status: criteria provided, single submitter. Criteria: Myriad Autosomal Dominant, Autosomal Recessive and X-Linked Classification Criteria (2023). Collection method: clinical testing. Allele origin: unknown.
Comment: This variant is considered benign. This variant is a silent/synonymous amino acid change and it is not expected to impact splicing.